The following is an entry in ClinVar:

NM_000719.7(CACNA1C):c.5928G>C (p.Gly1976=)

Genes: CACNA1C (calcium voltage-gated channel subunit alpha1 C; plus strand), CACNA1C-AS1 (CACNA1C antisense RNA 1; minus strand). Cytogenetic location: 12p13.33.
Variant type: single nucleotide variant.
Coding change: c.5928G>C on transcript NM_000719.7 (MANE Select); coding-DNA position 5928, G replaced by C.
Protein change: p.Gly1976=; no amino-acid change (glycine 1976 retained).
Molecular consequence: synonymous variant.
Genome position (GRCh38, 1-based): chr12:2,688,590, G>C. VCF-style: chr12-2688590-G-C. GRCh37 (hg19) VCF-style: chr12-2797756-G-C.
Other names: c.6072G>C, p.Gly2024= (NM_001129827.2); c.6051G>C, p.Gly2017= (NM_001129829.2); c.6033G>C, p.Gly2011= (NM_001129830.3, NM_001167624.3); c.6012G>C, p.Gly2004= (NM_001129831.2); c.5988G>C, p.Gly1996= (NM_001129832.2); c.5985G>C, p.Gly1995= (NM_001129833.2, NM_001129834.2, NM_001129835.2); c.5979G>C, p.Gly1993= (NM_001129836.2); c.5952G>C, p.Gly1984= (NM_001129837.2, NM_001129838.2); and 6 more.
Identifiers: ClinVar variation 697573 (VCV000697573.15), dbSNP rs763979736, ClinGen allele CA6390032.

ClinVar aggregate classification (germline): Likely benign. Review status: criteria provided, multiple submitters, no conflicts (2 of 4 stars). 3 submissions from 3 submitters: Likely benign (3). Last evaluated 2025-12-01.

Conditions:
Cardiovascular phenotype. Identifiers: MedGen CN230736.
Long QT syndrome (LQTS). Identifiers: MedGen C0023976, MeSH D008133, MONDO:0002442. Disease mechanism: loss of function. Inheritance: Various modes of inheritance.

Allele frequency attached by ClinVar (database versions not stated): ExAC 0.00003; gnomAD exomes 0.00003; TOPMed 0.00003.
gnomAD v4.1: 21 of 1,613,980 alleles (0.0013%); highest among the groups gnomAD compares: Admixed American, 0.033%; no homozygotes.

Submissions (3):

CeGaT Center for Human Genetics Tuebingen
Classification: Likely benign. Last evaluated: 2025-12-01. Review status: criteria provided, single submitter. Criteria: CeGaT Center For Human Genetics Tuebingen Variant Classification Criteria Version 2. Collection method: clinical testing. Allele origin: germline. Affected: yes. Observed: 1 variant allele.
Comment: CACNA1C: BP4, BP7

Labcorp Genetics (formerly Invitae), Labcorp
Classification: Likely benign for Long QT syndrome. Last evaluated: 2025-11-21. Review status: criteria provided, single submitter. Criteria: Invitae Variant Classification Sherloc (09022015). Collection method: clinical testing. Allele origin: germline.

Ambry Genetics
Classification: Likely benign for Cardiovascular phenotype. Last evaluated: 2020-02-27. Review status: criteria provided, single submitter. Criteria: Ambry Variant Classification Scheme 2023. Collection method: clinical testing. Allele origin: germline.